The following is an entry in ClinVar:

ClinVar aggregate classification (germline): Conflicting classifications of pathogenicity. Review status: criteria provided, conflicting classifications (1 of 4 stars). 5 submissions from 5 submitters: Uncertain significance (2); Likely benign (3). Last evaluated 2026-08-01.

Conditions:
Epilepsy, familial focal, with variable foci 3 (FFEVF3). Identifiers: MedGen C4310708, MONDO:0014925, OMIM 617118.
Inborn genetic diseases. Identifiers: MedGen C0950123, MeSH D030342.

Allele frequency attached by ClinVar (database versions not stated): gnomAD 0.00031; TOPMed 0.00034; ESP Exome Variant Server 0.00039.
gnomAD v4.1: 240 of 1,598,924 alleles (0.015%); highest among the groups gnomAD compares: Admixed American, 0.026%; no homozygotes.

Submissions (5):

CeGaT Center for Human Genetics Tuebingen
Classification: Likely benign. Last evaluated: 2026-08-01. Review status: criteria provided, single submitter. Criteria: CeGaT Center For Human Genetics Tuebingen Variant Classification Criteria Version 2. Collection method: clinical testing. Allele origin: germline. Affected: yes. Observed: 6 variant alleles.
Comment: NPRL3: BP4, BS2

Labcorp Genetics (formerly Invitae), Labcorp
Classification: Uncertain significance for Epilepsy, familial focal, with variable foci 3. Last evaluated: 2026-01-26. Review status: criteria provided, single submitter. Criteria: Invitae Variant Classification Sherloc (09022015). Collection method: clinical testing. Allele origin: germline.
Comment: This sequence change replaces proline, which is neutral and non-polar, with leucine, which is neutral and non-polar, at codon 423 of the NPRL3 protein (p.Pro423Leu). This variant is present in population databases (rs200792895, gnomAD 0.04%), and has an allele count higher than expected for a pathogenic variant. This variant has not been reported in the literature in individuals affected with NPRL3-related conditions. ClinVar contains an entry for this variant (Variation ID: 542796). Invitae Evidence Modeling of protein sequence and biophysical properties (such as structural, functional, and spatial information, amino acid conservation, physicochemical variation, residue mobility, and thermodynamic stability) indicates that this missense variant is not expected to disrupt NPRL3 protein function with a negative predictive value of 80%. In summary, the available evidence is currently insufficient to determine the role of this variant in disease. Therefore, it has been classified as a Variant of Uncertain Significance.

Blueprint Genetics
Classification: Likely benign. Last evaluated: 2024-10-07. Review status: criteria provided, single submitter. Criteria: ACMG Guidelines, 2015. Collection method: clinical testing. Allele origin: germline.

Ambry Genetics
Classification: Likely benign for Inborn genetic diseases. Last evaluated: 2024-03-04. Review status: criteria provided, single submitter. Criteria: Ambry Variant Classification Scheme 2023. Collection method: clinical testing. Allele origin: germline.

Institute for Clinical Genetics, University Hospital TU Dresden, University Hospital TU Dresden
Classification: Uncertain significance. Last evaluated: 2021-11-03. Review status: criteria provided, single submitter. Criteria: ACMG Guidelines, 2015. Collection method: clinical testing. Allele origin: germline.

NM_001077350.3(NPRL3):c.1268C>T (p.Pro423Leu)

Genes: HBA-LCR (alpha-globin locus control region; plus strand), NPRL3 (NPR3 like, GATOR1 complex subunit; minus strand). Cytogenetic location: 16p13.3.
Variant type: single nucleotide variant.
Coding change: c.1268C>T on transcript NM_001077350.3 (MANE Select); coding-DNA position 1268, C replaced by T.
Protein change: p.Pro423Leu; replaces proline 423 with leucine.
Molecular consequence: missense variant.
Genome position (GRCh38, 1-based): chr16:89,796, G>A on the plus strand (C>T on the coding strand, the complement: NPRL3 is on the minus strand). VCF-style: chr16-89796-G-A. GRCh37 (hg19) VCF-style: chr16-139794-G-A.
Other names: c.731C>T, p.Pro244Leu (NM_001039476.3); c.1034C>T, p.Pro345Leu (NM_001243247.2); c.1193C>T, p.Pro398Leu (NM_001243248.2, NM_001243249.2); short protein forms P398L, P423L, P244L, P345L.
Identifiers: ClinVar variation 542796 (VCV000542796.54), dbSNP rs200792895, ClinGen allele CA7769394.
Genomic context (GRCh38, chr16:89,796, plus strand): 5'-TTGGGCGTGCTGAGGCTGCGACCGCCGACCCGGGCAGTGAAGGGGACGTCGTCCTCTCGC[G>A]GACGGGGCTCCTCCTCGCTGGGTGAGGCCATCAGGCAGACATAGGTGTGCAGCTGGATGA-3'
Protein context (NP_001070818.1, residues 413-433): MASPSEEEPR[Pro423Leu]REDDVPFTAR